The following is an entry in ClinVar:

ClinVar aggregate classification (germline): Uncertain significance (1 of 4 stars; one submission).

Submission:

GeneDx
Classification: Uncertain significance. Last evaluated: 2025-04-07. Review status: criteria provided, single submitter. Criteria: GeneDx Variant Classification Process June 2021. Collection method: clinical testing. Allele origin: germline. Affected: yes.
Comment: In silico analysis supports that this missense variant has a deleterious effect on protein structure/function; Has not been previously published as pathogenic or benign to our knowledge.

NM_022552.5(DNMT3A):c.1591G>A (p.Asp531Asn)

Gene: DNMT3A (DNA methyltransferase 3 alpha; minus strand). Cytogenetic location: 2p23.3.
Variant type: single nucleotide variant.
Coding change: c.1591G>A on transcript NM_022552.5 (MANE Select); coding-DNA position 1591, G replaced by A.
Protein change: p.Asp531Asn; replaces aspartic acid 531 with asparagine.
Molecular consequence: missense variant. On other transcripts: non-coding transcript variant (1).
Genome position (GRCh38, 1-based): chr2:25,244,616, C>T on the plus strand (G>A on the coding strand, the complement: DNMT3A is on the minus strand). VCF-style: chr2-25244616-C-T. GRCh37 (hg19) VCF-style: chr2-25467485-C-T.
Other names: c.1135G>A, p.Asp379Asn (NM_001320893.1); c.922G>A, p.Asp308Asn (NM_001375819.1); c.1024G>A, p.Asp342Asn (NM_153759.3); c.1591G>A, p.Asp531Asn (NM_175629.2); short protein forms D308N, D342N, D379N, D531N.
Identifiers: ClinVar variation 4282465 (VCV004282465.1).